The following is an entry in ClinVar:

NM_000016.6(ACADM):c.1161A>G (p.Val387=)

Gene: ACADM (acyl-CoA dehydrogenase medium chain; plus strand). Cytogenetic location: 1p31.1.
Variant type: single nucleotide variant.
Coding change: c.1161A>G on transcript NM_000016.6 (MANE Select); coding-DNA position 1161, A replaced by G.
Protein change: p.Val387=; no amino-acid change (valine 387 retained).
Molecular consequence: synonymous variant.
Genome position (GRCh38, 1-based): chr1:75,761,337, A>G. VCF-style: chr1-75761337-A-G. GRCh37 (hg19) VCF-style: chr1-76227022-A-G.
Other names: c.1173A>G, p.Val391= (NM_001127328.3); c.1053A>G, p.Val351= (NM_001286042.2); c.1260A>G, p.Val420= (NM_001286043.2); c.594A>G, p.Val198= (NM_001286044.2).
Identifiers: ClinVar variation 92254 (VCV000092254.45), dbSNP rs1061337, ClinGen allele CA145593.

ClinVar aggregate classification (germline): Benign/Likely benign. Review status: criteria provided, multiple submitters, no conflicts (2 of 4 stars). 15 submissions from 15 submitters: Benign (11); Likely benign (1). 3 of the submissions do not count toward it. Last evaluated 2026-02-04.

Conditions:
Medium-chain acyl-coenzyme A dehydrogenase deficiency (ACADMD). Also called: MCADD; ACADM DEFICIENCY; MCADH DEFICIENCY; CARNITINE DEFICIENCY SECONDARY TO MEDIUM-CHAIN ACYL-CoA DEHYDROGENASE DEFICIENCY; MCAD Deficiency; Medium chain acyl-CoA dehydrogenase deficiency. Identifiers: Orphanet 42, MedGen C0220710, MONDO:0008721, OMIM 201450.

Allele frequency attached by ClinVar (database versions not stated): 1000 Genomes Project 0.17432; 1000 Genomes Project 30x 0.17911; TOPMed 0.22991; ExAC 0.23335; gnomAD 0.23500 and 0.23824; ESP Exome Variant Server 0.24996; gnomAD exomes 0.27505.
gnomAD v4.1: 436,742 of 1,613,518 alleles (27%); highest among the groups gnomAD compares: Non-Finnish European, 30%; 62,204 homozygotes.

Submissions (15):

Labcorp Genetics (formerly Invitae), Labcorp
Classification: Benign for Medium-chain acyl-coenzyme A dehydrogenase deficiency. Last evaluated: 2026-02-04. Review status: criteria provided, single submitter. Criteria: Invitae Variant Classification Sherloc (09022015). Collection method: clinical testing. Allele origin: germline.

Mayo Clinic Laboratories, Mayo Clinic
Classification: Benign. Last evaluated: 2025-11-21. Review status: criteria provided, single submitter. Criteria: ACMG Guidelines, 2015. Collection method: clinical testing. Allele origin: germline. Observed: 409 variant alleles.
Comment: BA1, BP4, BP7

ARUP Laboratories, Molecular Genetics and Genomics, ARUP Laboratories
Classification: Benign for Medium-chain acyl-coenzyme A dehydrogenase deficiency. Last evaluated: 2025-07-18. Review status: criteria provided, single submitter. Criteria: ARUP Molecular Germline Variant Investigation Process 2024. Collection method: clinical testing. Allele origin: germline.

Blueprint Genetics
Classification: Likely benign. Last evaluated: 2024-11-26. Review status: criteria provided, single submitter. Criteria: ACMG Guidelines, 2015. Collection method: clinical testing. Allele origin: germline.

Genome-Nilou Lab
Classification: Benign for Medium-chain acyl-coenzyme A dehydrogenase deficiency. Last evaluated: 2021-07-01. Review status: criteria provided, single submitter. Criteria: ACMG Guidelines, 2015. Collection method: clinical testing. Allele origin: germline. Affected: no.

Laboratory for Molecular Medicine, Mass General Brigham Personalized Medicine
Classification: Benign. Last evaluated: 2021-03-17. Review status: criteria provided, single submitter. Criteria: LMM Criteria. Collection method: clinical testing. Allele origin: germline. Observed: 1 variant allele.
Comment: The p.Val391Val variant in ACADM is not expected to have clinical significance because it has been identified in 29% (37908/128544) of European chromosomes, including 5448 homozygotes, by gnomAD.

Illumina Laboratory Services, Illumina
Classification: Benign for Medium-chain acyl-coenzyme A dehydrogenase deficiency. Last evaluated: 2018-01-12. Review status: criteria provided, single submitter. Criteria: ICSL Variant Classification Criteria 13 December 2019. Collection method: clinical testing. Allele origin: germline.
Comment: This variant was observed in the ICSL laboratory as part of a predisposition screen in an ostensibly healthy population. It had not been previously curated by ICSL or reported in the Human Gene Mutation Database (HGMD: prior to June 1st, 2018), and was therefore a candidate for classification through an automated scoring system. Utilizing variant allele frequency, disease prevalence and penetrance estimates, and inheritance mode, an automated score was calculated to assess if this variant is too frequent to cause the disease. Based on the score and internal cut-off values, a variant classified as benign is not then subjected to further curation. The score for this variant resulted in a classification of benign for this disease.

Quest Diagnostics Nichols Institute San Juan Capistrano
Classification: Benign. Last evaluated: 2017-07-19. Review status: criteria provided, single submitter. Criteria: Quest Diagnostics criteria. Collection method: clinical testing. Allele origin: germline.

Eurofins Ntd Llc (ga)
Classification: Benign. Last evaluated: 2015-09-14. Review status: criteria provided, single submitter. Criteria: EGL Classification Definitions 2015. Collection method: clinical testing. Allele origin: germline. Observed: 48 variant alleles, 42 heterozygotes, 6 homozygotes.

GeneDx
Classification: Benign. Last evaluated: 2015-03-03. Review status: criteria provided, single submitter. Criteria: GeneDx Variant Classification Process June 2021. Collection method: clinical testing. Allele origin: germline. Affected: yes.
Comment: This variant is associated with the following publications: (PMID: 23810226)

Breakthrough Genomics
Classification: Benign. Review status: criteria provided, single submitter. Criteria: ACMG Guidelines, 2015. Collection method: not provided. Allele origin: germline. Inheritance: Autosomal recessive inheritance. Affected: yes.

PreventionGenetics, part of Exact Sciences
Classification: Benign. Review status: criteria provided, single submitter. Criteria: ACMG Guidelines, 2015. Collection method: clinical testing. Allele origin: germline.

Natera, Inc.
Classification: Benign for Medium-Chain Acyl-Coenzyme A Dehydrogenase Deficiency. Last evaluated: 2019-05-20. Review status: no assertion criteria provided. Collection method: clinical testing. Allele origin: germline. Not counted in ClinVar's aggregate classification.

Diagnostic Laboratory, Department of Genetics, University Medical Center Groningen
Classification: Benign. Review status: no assertion criteria provided. Collection method: clinical testing. Allele origin: germline. Affected: yes. Study: VKGL Data-share Consensus. Not counted in ClinVar's aggregate classification.

Joint Genome Diagnostic Labs from Nijmegen and Maastricht, Radboudumc and MUMC+
Classification: Benign. Review status: no assertion criteria provided. Collection method: clinical testing. Allele origin: germline. Affected: yes. Study: VKGL Data-share Consensus. Not counted in ClinVar's aggregate classification.

Literature cited by the submitters: PubMed 22683754 (cited by Quest Diagnostics Nichols Institute San Juan Capistrano); PubMed 23810226 (cited by Quest Diagnostics Nichols Institute San Juan Capistrano); PubMed 23546811 (cited by Quest Diagnostics Nichols Institute San Juan Capistrano).